The following is an entry in ClinVar:

NM_139319.3(SLC17A8):c.1216G>C (p.Val406Leu)

Gene: SLC17A8 (solute carrier family 17 member 8; plus strand). Cytogenetic location: 12q23.1.
Variant type: single nucleotide variant.
Coding change: c.1216G>C on transcript NM_139319.3 (MANE Select); coding-DNA position 1216, G replaced by C.
Protein change: p.Val406Leu; replaces valine 406 with leucine.
Molecular consequence: missense variant.
Genome position (GRCh38, 1-based): chr12:100,412,799, G>C. VCF-style: chr12-100412799-G-C. GRCh37 (hg19) VCF-style: chr12-100806577-G-C.
Other names: c.1066G>C, p.Val356Leu (NM_001145288.2); short protein forms V356L, V406L.
Identifiers: ClinVar variation 3898487 (VCV003898487.7).

ClinVar aggregate classification (germline): Uncertain significance (1 of 4 stars; one submission).

gnomAD v4.1: 3 of 1,614,074 alleles (0.00019%); highest among the groups gnomAD compares: Non-Finnish European, 0.00025%; no homozygotes.

Submission:

CeGaT Center for Human Genetics Tuebingen
Classification: Uncertain significance. Last evaluated: 2025-04-01. Review status: criteria provided, single submitter. Criteria: CeGaT Center For Human Genetics Tuebingen Variant Classification Criteria Version 2. Collection method: clinical testing. Allele origin: germline. Affected: yes. Observed: 1 variant allele.
Comment: SLC17A8: PM2:Supporting